The following is an entry in ClinVar:

NM_194454.3(KRIT1):c.1139C>T (p.Thr380Met)

Gene: KRIT1 (KRIT1 ankyrin repeat containing; minus strand). Cytogenetic location: 7q21.2.
Variant type: single nucleotide variant.
Coding change: c.1139C>T on transcript NM_194454.3 (MANE Select); coding-DNA position 1139, C replaced by T.
Protein change: p.Thr380Met; replaces threonine 380 with methionine.
Molecular consequence: missense variant.
Genome position (GRCh38, 1-based): chr7:92,226,533, G>A on the plus strand (C>T on the coding strand, the complement: KRIT1 is on the minus strand). VCF-style: chr7-92226533-G-A. GRCh37 (hg19) VCF-style: chr7-91855847-G-A.
Other names: c.995C>T, p.Thr332Met (NM_001013406.2, NM_001350669.1, NM_001350670.1); c.425C>T, p.Thr142Met (NM_001350671.1); c.1139C>T, p.Thr380Met (NM_001350672.1, NM_001350673.1, NM_001350674.1 and 26 more transcripts); short protein forms T380M, T332M, T142M.
Identifiers: ClinVar variation 360886 (VCV000360886.5), dbSNP rs533696377, ClinGen allele CA4339207.

ClinVar aggregate classification (germline): Conflicting classifications of pathogenicity. Review status: criteria provided, conflicting classifications (1 of 4 stars). 2 submissions from 1 submitter: Uncertain significance (1); Benign (1). Last evaluated 2018-01-13.

Conditions:
Cerebral cavernous malformation (CCM). Also called: CAVERNOUS ANGIOMA, FAMILIAL; CAVERNOUS ANGIOMATOUS MALFORMATIONS; CEREBRAL CAPILLARY MALFORMATIONS; Cavernous Hemangioma of Brain; Cerebral cavernous hemangioma (type); Cerebral cavernous malformations. Identifiers: Orphanet 221061, MedGen C2919945, MONDO:0000820, OMIM 116860, HP:0033522.
Angiokeratoma corporis diffusum with arteriovenous fistulas. Identifiers: MedGen C1838141, MONDO:0010885, OMIM 600419.

Allele frequency attached by ClinVar (database versions not stated): gnomAD 0.00001 and 0.00004; gnomAD exomes 0.00003 and 0.00010; TOPMed 0.00003; ExAC 0.00010; 1000 Genomes Project 0.00040; 1000 Genomes Project 30x 0.00062.
gnomAD v4.1: 54 of 1,610,284 alleles (0.0034%); highest among the groups gnomAD compares: South Asian, 0.033%; no homozygotes.

Submissions (2):

Illumina Laboratory Services, Illumina
Classification: Uncertain significance for Cerebral cavernous malformation. Last evaluated: 2018-01-13. Review status: criteria provided, single submitter. Criteria: ICSL Variant Classification Criteria 13 December 2019. Collection method: clinical testing. Allele origin: germline.

Illumina Laboratory Services, Illumina
Classification: Benign for Angiokeratoma corporis diffusum with arteriovenous fistulas. Last evaluated: 2018-01-13. Review status: criteria provided, single submitter. Criteria: ICSL Variant Classification Criteria 13 December 2019. Collection method: clinical testing. Allele origin: germline.
Comment: This variant was observed in the ICSL laboratory as part of a predisposition screen in an ostensibly healthy population. It had not been previously curated by ICSL or reported in the Human Gene Mutation Database (HGMD: prior to June 1st, 2018), and was therefore a candidate for classification through an automated scoring system. Utilizing variant allele frequency, disease prevalence and penetrance estimates, and inheritance mode, an automated score was calculated to assess if this variant is too frequent to cause the disease. Based on the score and internal cut-off values, a variant classified as benign is not then subjected to further curation. The score for this variant resulted in a classification of benign for this disease.